The following is an entry in ClinVar:

NM_052874.5(STX1B):c.861C>A (p.Gly287=)

Gene: STX1B (syntaxin 1B; minus strand). Cytogenetic location: 16p11.2.
Variant type: single nucleotide variant.
Coding change: c.861C>A on transcript NM_052874.5 (MANE Select); coding-DNA position 861, C replaced by A.
Protein change: p.Gly287=; no amino-acid change (glycine 287 retained).
Molecular consequence: synonymous variant.
Genome position (GRCh38, 1-based): chr16:30,992,827, G>T on the plus strand (C>A on the coding strand, the complement: STX1B is on the minus strand). VCF-style: chr16-30992827-G-T. GRCh37 (hg19) VCF-style: chr16-31004148-G-T.
Identifiers: ClinVar variation 1220518 (VCV001220518.8), dbSNP rs775117894, ClinGen allele CA494690010.

ClinVar aggregate classification (germline): Likely benign. Review status: criteria provided, multiple submitters, no conflicts (2 of 4 stars). 2 submissions from 2 submitters: Likely benign (2). Last evaluated 2023-05-25.

Conditions:
Generalized epilepsy with febrile seizures plus, type 9 (GEFSP9). Also called: GEFS+, TYPE 9. Identifiers: Orphanet 36387, MedGen C4015395, MONDO:0014517, OMIM 616172.

Submissions (2):

Labcorp Genetics (formerly Invitae), Labcorp
Classification: Likely benign for Generalized epilepsy with febrile seizures plus, type 9. Last evaluated: 2023-05-25. Review status: criteria provided, single submitter. Criteria: Invitae Variant Classification Sherloc (09022015). Collection method: clinical testing. Allele origin: germline.

GeneDx
Classification: Likely benign. Last evaluated: 2020-02-04. Review status: criteria provided, single submitter. Criteria: GeneDx Variant Classification Process June 2021. Collection method: clinical testing. Allele origin: germline. Affected: yes.
Comment: Not observed at a significant frequency in large population cohorts (Lek et al., 2016)